The following is an entry in ClinVar:

ClinVar aggregate classification (germline): Uncertain significance (1 of 4 stars; one submission).

Conditions:
Neurodevelopmental disorder with hypotonia, seizures, and absent language (NDHSAL). Identifiers: MedGen C4310643, MONDO:0014995, OMIM 617268.

Submission:

Laboratorio de Genetica e Diagnostico Molecular, Hospital Israelita Albert Einstein
Classification: Uncertain significance for Neurodevelopmental disorder with hypotonia, seizures, and absent language. Last evaluated: 2025-08-29. Review status: criteria provided, single submitter. Criteria: ACMG Guidelines, 2015. Collection method: clinical testing. Allele origin: germline. Affected: yes.
Comment: ACMG classification criteria: PM2 supporting, PP2 supporting, PP3 supporting

NM_001348768.2(HECW2):c.3574G>T (p.Asp1192Tyr)

Gene: HECW2 (HECT, C2 and WW domain containing E3 ubiquitin protein ligase 2; minus strand). Cytogenetic location: 2q32.3.
Variant type: single nucleotide variant.
Coding change: c.3574G>T on transcript NM_001348768.2 (MANE Select); coding-DNA position 3574, G replaced by T.
Protein change: p.Asp1192Tyr; replaces aspartic acid 1192 with tyrosine.
Molecular consequence: missense variant.
Genome position (GRCh38, 1-based): chr2:196,242,160, C>A on the plus strand (G>T on the coding strand, the complement: HECW2 is on the minus strand). VCF-style: chr2-196242160-C-A. GRCh37 (hg19) VCF-style: chr2-197106884-C-A.
Other names: c.2506G>T, p.Asp836Tyr (NM_001304840.3); c.3574G>T, p.Asp1192Tyr (NM_020760.4); short protein forms D1192Y, D836Y.
Identifiers: ClinVar variation 4846806 (VCV004846806.1).